The following is an entry in ClinVar:

NM_001692.4(ATP6V1B1):c.408del (p.Pro137fs)

Gene: ATP6V1B1 (ATPase H+ transporting V1 subunit B1; plus strand). Cytogenetic location: 2p13.3.
Variant type: Deletion.
Coding change: c.408del on transcript NM_001692.4 (MANE Select); coding-DNA position 408, one base deleted (G; older notation c.408delG).
Protein change: p.Pro137fs; shifts the reading frame from proline 137.
Molecular consequence: frameshift variant.
Genome position (GRCh38, 1-based): chr2:70,959,058, G deleted; the last of 4 consecutive G bases (chr2:70,959,055-70,959,058); deleting any one gives the same sequence. VCF-style (leftmost placement, unchanged base first): chr2-70959054-AG-A. GRCh37 (hg19) VCF-style: chr2-71186184-AG-A.
Other names: c.408delG (NM_001692.3); short protein forms P137fs.
Identifiers: ClinVar variation 2203080 (VCV002203080.6), dbSNP rs2466287307, ClinGen allele CA2576997197.

ClinVar aggregate classification (germline): Pathogenic. Review status: criteria provided, multiple submitters, no conflicts (2 of 4 stars). 3 submissions from 3 submitters: Pathogenic (3). Last evaluated 2025-01-30.

Conditions:
Renal tubular acidosis with progressive nerve deafness. Also called: Distal Renal Tubular Acidosis with Progressive Sensorineural Deafness; RENAL TUBULAR ACIDOSIS, AUTOSOMAL RECESSIVE, WITH PROGRESSIVE NERVE DEAFNESS; RTA WITH PROGRESSIVE NERVE DEAFNESS; renal tubular acidosis, distal, 2, with progressive sensorineural hearing loss. Identifiers: MedGen C0403554, MONDO:0009968, OMIM 267300.

Submissions (3):

Natera, Inc.
Classification: Pathogenic for Renal tubular acidosis with progressive nerve deafness. Last evaluated: 2025-01-30. Review status: criteria provided, single submitter. Criteria: Natera Variant Classification Schema (03/2026). Collection method: clinical testing. Allele origin: germline.
Comment: The c.408delG variant in ATP6V1B1 is a frameshift variant predicted to shift the reading frame beginning at codon 137 and leads to a stop codon 27 codons downstream. This variant is expected to result in nonsense mediated decay, truncation, or a dysfunctional protein product. This variant is rare in the general population with a frequency below the threshold expected for the associated phenotype(s). This variant has been observed in one or more individuals affected with the associated recessive disease, as either homozygous or compound heterozygous with a second variant (PMID: 28233610). Given the available evidence, this variant is classified as Pathogenic.

Myriad Genetics, Inc.
Classification: Pathogenic for Renal tubular acidosis with progressive nerve deafness. Last evaluated: 2024-05-14. Review status: criteria provided, single submitter. Criteria: Myriad Autosomal Dominant, Autosomal Recessive and X-Linked Classification Criteria (2023). Collection method: clinical testing. Allele origin: unknown.
Comment: NM_001692.3(ATP6V1B1):c.408delG(P137Qfs*27) is expected to be pathogenic in the context of distal renal tubular acidosis with deafness, ATP6V1B1-related. This variant is predicted to lead to an abnormal or absent protein product due to the creation of a premature termination codon in ATP6V1B1, a gene where loss-of-function variants are known to be pathogenic. Please note: this variant was assessed in the context of healthy population screening.

Labcorp Genetics (formerly Invitae), Labcorp
Classification: Pathogenic. Last evaluated: 2023-06-05. Review status: criteria provided, single submitter. Criteria: Invitae Variant Classification Sherloc (09022015). Collection method: clinical testing. Allele origin: germline.
Comment: This sequence change creates a premature translational stop signal (p.Pro137Glnfs*27) in the ATP6V1B1 gene. It is expected to result in an absent or disrupted protein product. Loss-of-function variants in ATP6V1B1 are known to be pathogenic (PMID: 9916796, 18368028). This variant is not present in population databases (gnomAD no frequency). This premature translational stop signal has been observed in individual(s) with renal tubular acidosis (PMID: 28233610). ClinVar contains an entry for this variant (Variation ID: 2203080). For these reasons, this variant has been classified as Pathogenic.

Literature cited by the submitters: PubMed 28233610 (cited by Natera, Inc. and Labcorp Genetics (formerly Invitae), Labcorp); PubMed 9916796 (cited by Labcorp Genetics (formerly Invitae), Labcorp); PubMed 18368028 (cited by Labcorp Genetics (formerly Invitae), Labcorp).